The following is an entry in ClinVar:

ClinVar aggregate classification (germline): Uncertain significance (1 of 4 stars; one submission).

gnomAD v4.1: 1 of 1,613,868 alleles (0.000062%); no homozygotes.

Submission:

Labcorp Genetics (formerly Invitae), Labcorp
Classification: Uncertain significance. Last evaluated: 2022-02-01. Review status: criteria provided, single submitter. Criteria: Invitae Variant Classification Sherloc (09022015). Collection method: clinical testing. Allele origin: germline.
Comment: This sequence change replaces isoleucine, which is neutral and non-polar, with valine, which is neutral and non-polar, at codon 359 of the PDE6A protein (p.Ile359Val). This variant is not present in population databases (gnomAD no frequency). This variant has not been reported in the literature in individuals affected with PDE6A-related conditions. ClinVar contains an entry for this variant (Variation ID: 1041501). Algorithms developed to predict the effect of missense changes on protein structure and function (SIFT, PolyPhen-2, Align-GVGD) all suggest that this variant is likely to be tolerated. In summary, the available evidence is currently insufficient to determine the role of this variant in disease. Therefore, it has been classified as a Variant of Uncertain Significance.

NM_000440.3(PDE6A):c.1075A>G (p.Ile359Val)

Gene: PDE6A (phosphodiesterase 6A; minus strand). Cytogenetic location: 5q32.
Variant type: single nucleotide variant.
Coding change: c.1075A>G on transcript NM_000440.3 (MANE Select); coding-DNA position 1075, A replaced by G.
Protein change: p.Ile359Val; replaces isoleucine 359 with valine.
Molecular consequence: missense variant.
Genome position (GRCh38, 1-based): chr5:149,903,686, T>C on the plus strand (A>G on the coding strand, the complement: PDE6A is on the minus strand). VCF-style: chr5-149903686-T-C. GRCh37 (hg19) VCF-style: chr5-149283249-T-C.
Other names: short protein forms I359V.
Identifiers: ClinVar variation 1041501 (VCV001041501.7), dbSNP rs1753072383, ClinGen allele CA361697767.